The following is an entry in ClinVar:

NM_015295.3(SMCHD1):c.220A>G (p.Ile74Val)

Gene: SMCHD1 (structural maintenance of chromosomes flexible hinge domain containing 1; plus strand). Cytogenetic location: 18p11.32.
Variant type: single nucleotide variant.
Coding change: c.220A>G on transcript NM_015295.3 (MANE Select); coding-DNA position 220, A replaced by G.
Protein change: p.Ile74Val; replaces isoleucine 74 with valine.
Molecular consequence: missense variant.
Genome position (GRCh38, 1-based): chr18:2,666,190, A>G. VCF-style: chr18-2666190-A-G. GRCh37 (hg19) VCF-style: chr18-2666189-A-G.
Other names: short protein forms I74V.
Identifiers: ClinVar variation 2436157 (VCV002436157.6), dbSNP rs1036751168, ClinGen allele CA295459787.

ClinVar aggregate classification (germline): Uncertain significance. Review status: criteria provided, multiple submitters, no conflicts (2 of 4 stars). 3 submissions from 3 submitters: Uncertain significance (3). Last evaluated 2025-11-26.

Conditions:
Facioscapulohumeral muscular dystrophy 2 (FSHD2). Also called: FACIOSCAPULOHUMERAL MUSCULAR DYSTROPHY 2, DIGENIC; FSHD2, DIGENIC; MUSCULAR DYSTROPHY, FACIOSCAPULOHUMERAL, TYPE 1B. Identifiers: Orphanet 269, MedGen C1834671, MONDO:0008031, OMIM 158901.
Inborn genetic diseases. Identifiers: MedGen C0950123, MeSH D030342.

Allele frequency attached by ClinVar (database versions not stated): gnomAD 0.00001; TOPMed 0.00002.
gnomAD v4.1: 3 of 1,560,562 alleles (0.00019%); highest among the groups gnomAD compares: Admixed American, 0.0017%; no homozygotes.

Submissions (3):

Ambry Genetics
Classification: Uncertain significance for Inborn genetic diseases. Last evaluated: 2025-11-26. Review status: criteria provided, single submitter. Criteria: Ambry Variant Classification Scheme 2023. Collection method: clinical testing. Allele origin: germline.

Labcorp Genetics (formerly Invitae), Labcorp
Classification: Uncertain significance for Facioscapulohumeral muscular dystrophy 2. Last evaluated: 2025-02-03. Review status: criteria provided, single submitter. Criteria: Invitae Variant Classification Sherloc (09022015). Collection method: clinical testing. Allele origin: germline.
Comment: This sequence change replaces isoleucine, which is neutral and non-polar, with valine, which is neutral and non-polar, at codon 74 of the SMCHD1 protein (p.Ile74Val). This variant is not present in population databases (gnomAD no frequency). This variant has not been reported in the literature in individuals affected with SMCHD1-related conditions. ClinVar contains an entry for this variant (Variation ID: 2436157). Invitae Evidence Modeling of protein sequence and biophysical properties (such as structural, functional, and spatial information, amino acid conservation, physicochemical variation, residue mobility, and thermodynamic stability) indicates that this missense variant is not expected to disrupt SMCHD1 protein function with a negative predictive value of 80%. In summary, the available evidence is currently insufficient to determine the role of this variant in disease. Therefore, it has been classified as a Variant of Uncertain Significance.

Revvity Omics, Revvity
Classification: Uncertain significance. Last evaluated: 2019-06-17. Review status: criteria provided, single submitter. Criteria: ACMG Guidelines, 2015. Collection method: clinical testing. Allele origin: germline.